The following is an entry in ClinVar:

NM_006939.4(SOS2):c.3289T>C (p.Ser1097Pro)

Gene: SOS2 (SOS Ras/Rho guanine nucleotide exchange factor 2; minus strand). Cytogenetic location: 14q21.3.
Variant type: single nucleotide variant.
Coding change: c.3289T>C on transcript NM_006939.4 (MANE Select); coding-DNA position 3289, T replaced by C.
Protein change: p.Ser1097Pro; replaces serine 1097 with proline.
Molecular consequence: missense variant.
Genome position (GRCh38, 1-based): chr14:50,130,549, A>G on the plus strand (T>C on the coding strand, the complement: SOS2 is on the minus strand). VCF-style: chr14-50130549-A-G. GRCh37 (hg19) VCF-style: chr14-50597267-A-G.
Other names: p.Ser1097Pro; short protein forms S1097P.
Identifiers: ClinVar variation 862440 (VCV000862440.16), dbSNP rs141214900, ClinGen allele CA7176845.
Genomic context (GRCh38, chr14:50,130,549, plus strand): 5'-TCAAATACTTACCACAGGAGCTGTTGAGATCCACATCTAAAAATACACTAAGGTCTGAAG[A>G]AGCAGATACTGGTGGAGTAGATGGTGTATTTGGAGAGGTTGGTGCTGACACTGTTGATTC-3'
Protein context (NP_008870.2, residues 1087-1107): NTPSTPPVSA[Ser1097Pro]SDLSVFLDVD

ClinVar aggregate classification (germline): Conflicting classifications of pathogenicity. Review status: criteria provided, conflicting classifications (1 of 4 stars). 5 submissions from 5 submitters: Uncertain significance (3); Likely benign (2). Last evaluated 2026-01-05.

Conditions:
Cardiovascular phenotype. Identifiers: MedGen CN230736.
Noonan syndrome 9 (NS9). Identifiers: Orphanet 648, MedGen C4225282, MONDO:0014691, OMIM 616559.

Allele frequency attached by ClinVar (database versions not stated): gnomAD 0.00009 and 0.00010; TOPMed 0.00009; gnomAD exomes 0.00012 and 0.00025; ExAC 0.00014; ESP Exome Variant Server 0.00015.
gnomAD v4.1: 373 of 1,613,890 alleles (0.023%); highest among the groups gnomAD compares: Middle Eastern, 0.049%; no homozygotes.

Submissions (5):

Labcorp Genetics (formerly Invitae), Labcorp
Classification: Likely benign for Noonan syndrome 9. Last evaluated: 2026-01-05. Review status: criteria provided, single submitter. Criteria: Invitae Variant Classification Sherloc (09022015). Collection method: clinical testing. Allele origin: germline.

Ambry Genetics
Classification: Uncertain significance for Cardiovascular phenotype. Last evaluated: 2025-07-14. Review status: criteria provided, single submitter. Criteria: Ambry Variant Classification Scheme 2023. Collection method: clinical testing. Allele origin: germline.
Comment: The p.S1097P variant (also known as c.3289T>C), located in coding exon 20 of the SOS2 gene, results from a T to C substitution at nucleotide position 3289. The serine at codon 1097 is replaced by proline, an amino acid with similar properties. This amino acid position is well conserved in available vertebrate species. In addition, the in silico prediction for this alteration is inconclusive. Based on the available evidence, the clinical significance of this variant remains unclear.

Mayo Clinic Laboratories, Mayo Clinic
Classification: Uncertain significance. Last evaluated: 2025-05-13. Review status: criteria provided, single submitter. Criteria: ACMG Guidelines, 2015. Collection method: clinical testing. Allele origin: germline. Observed: 1 variant allele.
Comment: BS1

Women's Health and Genetics/Laboratory Corporation of America, LabCorp
Classification: Likely benign. Last evaluated: 2024-05-06. Review status: criteria provided, single submitter. Criteria: LabCorp Variant Classification Summary - May 2015. Collection method: clinical testing. Allele origin: germline.

St. Jude Molecular Pathology, St. Jude Children's Research Hospital
Classification: Uncertain significance for Noonan syndrome 9. Last evaluated: 2023-04-03. Review status: criteria provided, single submitter. Criteria: St. Jude Assertion Criteria 2020. Collection method: clinical testing. Allele origin: germline.
Comment: The SOS2 c.3289T>C (p.Ser1097Pro) missense change has a maximum subpopulation frequency of 0.022% in gnomAD v2.1.1. The in silico tool REVEL is inconclusive about a pathogenic or benign effect of this variant on protein function, and to our knowledge functional studies have not been performed. To our knowledge, this variant has not been reported in individuals with Noonan syndrome. In summary, the evidence currently available is insufficient to determine the clinical significance of this variant. It has therefore been classified as of uncertain significance.